The following is an entry in ClinVar:

NM_001330700.2(TOP2B):c.1529A>T (p.Lys510Ile)

Gene: TOP2B (DNA topoisomerase II beta; minus strand). Cytogenetic location: 3p24.2.
Variant type: single nucleotide variant.
Coding change: c.1529A>T on transcript NM_001330700.2 (MANE Select); coding-DNA position 1529, A replaced by T.
Protein change: p.Lys510Ile; replaces lysine 510 with isoleucine.
Molecular consequence: missense variant.
Genome position (GRCh38, 1-based): chr3:25,630,346, T>A on the plus strand (A>T on the coding strand, the complement: TOP2B is on the minus strand). VCF-style: chr3-25630346-T-A. GRCh37 (hg19) VCF-style: chr3-25671837-T-A.
Other names: c.1514A>T, p.Lys505Ile (NM_001068.3); short protein forms K505I, K510I.
Identifiers: ClinVar variation 3724920 (VCV003724920.2).

ClinVar aggregate classification (germline): Uncertain significance (1 of 4 stars; one submission).

Submission:

Labcorp Genetics (formerly Invitae), Labcorp
Classification: Uncertain significance. Last evaluated: 2024-11-10. Review status: criteria provided, single submitter. Criteria: Invitae Variant Classification Sherloc (09022015). Collection method: clinical testing. Allele origin: germline.
Comment: This sequence change replaces lysine, which is basic and polar, with isoleucine, which is neutral and non-polar, at codon 505 of the TOP2B protein (p.Lys505Ile). This variant is not present in population databases (gnomAD no frequency). This variant has not been reported in the literature in individuals affected with TOP2B-related conditions. An algorithm developed to predict the effect of missense changes on protein structure and function (PolyPhen-2) suggests that this variant is likely to be disruptive. In summary, the available evidence is currently insufficient to determine the role of this variant in disease. Therefore, it has been classified as a Variant of Uncertain Significance.